The following is an entry in ClinVar:

ClinVar aggregate classification (germline): Uncertain significance (1 of 4 stars; one submission).

Conditions:
ATP8B1-related disorder. Also called: ATP8B1-related disorders; ATP8B1-related condition.

gnomAD v4.1: 18 of 1,614,076 alleles (0.0011%); highest among the groups gnomAD compares: Non-Finnish European, 0.0015%; no homozygotes.

Submission:

PreventionGenetics, part of Exact Sciences
Classification: Uncertain significance for ATP8B1-related condition. Last evaluated: 2026-01-29. Review status: criteria provided, single submitter. Criteria: ACMG Guidelines, 2015. Collection method: clinical testing. Allele origin: germline.
Comment: The ATP8B1 c.1353C>G variant is predicted to result in the amino acid substitution p.Ile451Met. To our knowledge, this variant has not been reported in the literature. This variant is reported in 0.0023% of alleles in individuals of European (Non-Finnish) descent in gnomAD. Of note, a different substitution at the same codon, defined as c.1352T>C (p.Ile451Thr), was reported with a causative nonsense variant (phase unknown) in an individual with benign recurrent intrahepatic cholestasis (BRIC) (S3B Table, Neřoldová et al. 2023. PubMed ID: 37471416). At this time, the clinical significance of the c.1353C>G (p.Ile451Met) variant is uncertain due to the absence of conclusive functional and genetic evidence.

NM_001374385.1(ATP8B1):c.1353C>G (p.Ile451Met)

Gene: ATP8B1 (ATPase phospholipid transporting 8B1; minus strand). Cytogenetic location: 18q21.31.
Variant type: single nucleotide variant.
Coding change: c.1353C>G on transcript NM_001374385.1 (MANE Select); coding-DNA position 1353, C replaced by G.
Protein change: p.Ile451Met; replaces isoleucine 451 with methionine.
Molecular consequence: missense variant.
Genome position (GRCh38, 1-based): chr18:57,688,375, G>C on the plus strand (C>G on the coding strand, the complement: ATP8B1 is on the minus strand). VCF-style: chr18-57688375-G-C. GRCh37 (hg19) VCF-style: chr18-55355607-G-C.
Other names: c.1203C>G, p.Ile401Met (NM_001374386.1); c.1353C>G, p.Ile451Met (NM_005603.6); short protein forms I451M, I401M.
Identifiers: ClinVar variation 4988900 (VCV004988900.1).